The following is an entry in ClinVar:

NM_053025.4(MYLK):c.4520G>A (p.Arg1507Gln)

Gene: MYLK (myosin light chain kinase; minus strand). Cytogenetic location: 3q21.1.
Variant type: single nucleotide variant.
Coding change: c.4520G>A on transcript NM_053025.4 (MANE Select); coding-DNA position 4520, G replaced by A.
Protein change: p.Arg1507Gln; replaces arginine 1507 with glutamine.
Molecular consequence: missense variant.
Genome position (GRCh38, 1-based): chr3:123,647,323, C>T on the plus strand (G>A on the coding strand, the complement: MYLK is on the minus strand). VCF-style: chr3-123647323-C-T. GRCh37 (hg19) VCF-style: chr3-123366170-C-T.
Other names: c.3992G>A, p.Arg1331Gln (NM_001321309.2); c.4313G>A, p.Arg1438Gln (NM_053026.4, NM_053028.4); c.4520G>A, p.Arg1507Gln (NM_053027.4); short protein forms R1507Q, R1438Q, R1331Q.
Identifiers: ClinVar variation 264262 (VCV000264262.6), dbSNP rs574296889, ClinGen allele CA10587551.

ClinVar aggregate classification (germline): Uncertain significance. Review status: criteria provided, multiple submitters, no conflicts (2 of 4 stars). 2 submissions from 2 submitters: Uncertain significance (2). Last evaluated 2025-09-15.

Conditions:
Aortic aneurysm, familial thoracic 7 (AAT7). Also called: AORTIC DISSECTION, FAMILIAL, WITH OR WITHOUT AORTIC ANEURYSM. Identifiers: MedGen C3151077, MONDO:0013418, OMIM 613780.
Familial thoracic aortic aneurysm and aortic dissection (TAAD). Also called: Thoracic aortic aneurysms and dissections. Identifiers: Orphanet 91387, MedGen C4707243, MONDO:0019625.

Allele frequency attached by ClinVar (database versions not stated): gnomAD 0.00001; gnomAD exomes 0.00001; 1000 Genomes Project 30x 0.00016; 1000 Genomes Project 0.00020.
gnomAD v4.1: 17 of 1,614,216 alleles (0.0011%); highest among the groups gnomAD compares: East Asian, 0.0022%; no homozygotes.

Submissions (2):

Labcorp Genetics (formerly Invitae), Labcorp
Classification: Uncertain significance for Aortic aneurysm, familial thoracic 7. Last evaluated: 2025-09-15. Review status: criteria provided, single submitter. Criteria: Invitae Variant Classification Sherloc (09022015). Collection method: clinical testing. Allele origin: germline.
Comment: This sequence change replaces arginine, which is basic and polar, with glutamine, which is neutral and polar, at codon 1507 of the MYLK protein (p.Arg1507Gln). This variant is present in population databases (rs574296889, gnomAD 0.002%). This variant has not been reported in the literature in individuals affected with MYLK-related conditions. ClinVar contains an entry for this variant (Variation ID: 264262). Invitae Evidence Modeling of protein sequence and biophysical properties (such as structural, functional, and spatial information, amino acid conservation, physicochemical variation, residue mobility, and thermodynamic stability) indicates that this missense variant is not expected to disrupt MYLK protein function with a negative predictive value of 80%. In summary, the available evidence is currently insufficient to determine the role of this variant in disease. Therefore, it has been classified as a Variant of Uncertain Significance.

Ambry Genetics
Classification: Uncertain significance for Familial thoracic aortic aneurysm and aortic dissection. Last evaluated: 2015-08-26. Review status: criteria provided, single submitter. Criteria: Ambry Variant Classification Scheme 2023. Collection method: clinical testing. Allele origin: germline.
Comment: The p.R1507Q variant (also known as c.4520G>A), located in coding exon 24 of the MYLK gene, results from a G to A substitution at nucleotide position 4520. The arginine at codon 1507 is replaced by glutamine, an amino acid with some highly similar properties. This variant was not reported in population based cohorts in the following databases: Database of Single Nucleotide Polymorphisms (dbSNP), NHLBI Exome Sequencing Project (ESP), and 1000 Genomes Project. In the ESP, this variant was not observed in 6503 samples (13006 alleles) with coverage at this position. This amino acid position is highly conserved in available vertebrate species. In addition, the in silico prediction for this alteration is inconclusive. Since supporting evidence is limited at this time, the clinical significance of this variant remains unclear.